The following is an entry in ClinVar:

NM_017934.7(PHIP):c.5217_5219del (p.Arg1740del)

Genes: IRAK1BP1 (interleukin 1 receptor associated kinase 1 binding protein 1; plus strand), PHIP (PHIP subunit of CUL4-Ring ligase complex; minus strand). Cytogenetic location: 6q14.1.
Variant type: Deletion.
Coding change: c.5217_5219del on transcript NM_017934.7 (MANE Select); coding-DNA positions 5217 to 5219, 3 bases deleted (GAG; older notation c.5217_5219delGAG).
Protein change: p.Arg1740del; deletes arginine 1740.
Molecular consequence: inframe deletion.
Genome position (GRCh38, 1-based): chr6:78,940,940-78,940,942, CTC deleted on the plus strand (GAG on the coding strand, the reverse complement: PHIP is on the minus strand); deleting any 3 consecutive bases within chr6:78,940,940-78,940,944 gives the same sequence; the c. name uses the placement nearest the transcript's 3' end. VCF-style (leftmost placement, unchanged base first): chr6-78940939-TCTC-T. GRCh37 (hg19) VCF-style: chr6-79650656-TCTC-T.
Other names: short protein forms R1740del.
Identifiers: ClinVar variation 2878803 (VCV002878803.3), dbSNP rs759451013, ClinGen allele CA3899294.

ClinVar aggregate classification (germline): Uncertain significance (1 of 4 stars; one submission).

Submission:

Labcorp Genetics (formerly Invitae), Labcorp
Classification: Uncertain significance. Last evaluated: 2024-01-21. Review status: criteria provided, single submitter. Criteria: Invitae Variant Classification Sherloc (09022015). Collection method: clinical testing. Allele origin: germline.
Comment: This variant, c.5217_5219del, results in the deletion of 1 amino acid(s) of the PHIP protein (p.Arg1740del), but otherwise preserves the integrity of the reading frame. This variant is present in population databases (rs759451013, gnomAD 0.003%). This variant has not been reported in the literature in individuals affected with PHIP-related conditions. Experimental studies and prediction algorithms are not available or were not evaluated, and the functional significance of this variant is currently unknown. In summary, the available evidence is currently insufficient to determine the role of this variant in disease. Therefore, it has been classified as a Variant of Uncertain Significance.